The following is an entry in ClinVar:

NM_001039141.3(TRIOBP):c.2472del (p.Arg825fs)

Gene: TRIOBP (TRIO and F-actin binding protein; plus strand). Cytogenetic location: 22q13.1.
Variant type: Deletion.
Coding change: c.2472del on transcript NM_001039141.3 (MANE Select); coding-DNA position 2472, one base deleted (C; older notation c.2472delC).
Protein change: p.Arg825fs; shifts the reading frame from arginine 825.
Molecular consequence: frameshift variant.
Genome position (GRCh38, 1-based): chr22:37,725,028, C deleted; the last of 4 consecutive C bases (chr22:37,725,025-37,725,028); deleting any one gives the same sequence. VCF-style (leftmost placement, unchanged base first): chr22-37725024-TC-T. GRCh37 (hg19) VCF-style: chr22-38121031-TC-T.
Other names: short protein forms R825fs.
Identifiers: ClinVar variation 2092311 (VCV002092311.4), dbSNP rs1266617320, ClinGen allele CA639394645.
Genomic context (GRCh38, chr22:37,725,024, plus strand): 5'-CCTCCTCTCCCATCAGAGCCACCCAACAGGACAACCCCAGAACTTGTATTCAACAGAACA[TC>T]CCCAGATCATCTTCTACCCAACAAGACAACCCTAAAACCTCTTGTACCAAACGAGATAAC-3'

ClinVar aggregate classification (germline): Pathogenic (1 of 4 stars; one submission).

Submission:

Labcorp Genetics (formerly Invitae), Labcorp
Classification: Pathogenic. Last evaluated: 2022-02-18. Review status: criteria provided, single submitter. Criteria: Invitae Variant Classification Sherloc (09022015). Collection method: clinical testing. Allele origin: germline.
Comment: For these reasons, this variant has been classified as Pathogenic. This variant has not been reported in the literature in individuals affected with TRIOBP-related conditions. This sequence change creates a premature translational stop signal (p.Arg825Aspfs*54) in the TRIOBP gene. It is expected to result in an absent or disrupted protein product. Loss-of-function variants in TRIOBP are known to be pathogenic (PMID: 16385457, 16385458, 20510926). This variant is present in population databases (no rsID available, gnomAD 0.0009%).

Literature cited by the submitters: PubMed 16385457; PubMed 16385458; PubMed 20510926.